The following is an entry in ClinVar:

ClinVar aggregate classification (germline): Benign/Likely benign (0 of 4 stars; one submission).

Submission:

ISCA site 4
Classification: Benign/Likely benign. Last evaluated: 2012-09-21. Review status: no assertion criteria provided. Collection method: clinical testing. Allele origin: unknown. Affected: yes. Observed: 3 variant alleles. Clinical features observed: Delayed speech and language development (HP:0000750), Global developmental delay (HP:0001263), Abnormality of the aorta (HP:0001679), Hypospadias (HP:0000047), Seizure (HP:0001250).
Comment: Likely benign (1), Benign (2)

Copy number variation identified through the course of routine clinical cytogenomic testing in postnatal populations, with clinical assertions as classified by the original submitter.

NCBI36/hg18 10q11.22(chr10:48317684-48933604)x3

Variant type: copy number gain.
Identifiers: ClinVar variation 149588 (VCV000149588.2).